The following is an entry in ClinVar:

ClinVar aggregate classification (germline): Uncertain significance (1 of 4 stars; one submission).

Submission:

Labcorp Genetics (formerly Invitae), Labcorp
Classification: Uncertain significance. Last evaluated: 2021-04-01. Review status: criteria provided, single submitter. Criteria: Invitae Variant Classification Sherloc (09022015). Collection method: clinical testing. Allele origin: germline.
Comment: This sequence change replaces threonine with lysine at codon 943 of the LAMC3 protein (p.Thr943Lys). The threonine residue is moderately conserved and there is a moderate physicochemical difference between threonine and lysine. In summary, the available evidence is currently insufficient to determine the role of this variant in disease. Therefore, it has been classified as a Variant of Uncertain Significance. Algorithms developed to predict the effect of missense changes on protein structure and function (SIFT, PolyPhen-2, Align-GVGD) all suggest that this variant is likely to be tolerated, but these predictions have not been confirmed by published functional studies and their clinical significance is uncertain. This variant has not been reported in the literature in individuals with LAMC3-related conditions. This variant is not present in population databases (ExAC no frequency).

NM_006059.4(LAMC3):c.2828C>A (p.Thr943Lys)

Gene: LAMC3 (laminin subunit gamma 3; plus strand). Cytogenetic location: 9q34.12.
Variant type: single nucleotide variant.
Coding change: c.2828C>A on transcript NM_006059.4 (MANE Select); coding-DNA position 2828, C replaced by A.
Protein change: p.Thr943Lys; replaces threonine 943 with lysine.
Molecular consequence: missense variant.
Genome position (GRCh38, 1-based): chr9:131,068,988, C>A. VCF-style: chr9-131068988-C-A. GRCh37 (hg19) VCF-style: chr9-133944375-C-A.
Other names: short protein forms T943K.
Identifiers: ClinVar variation 1522082 (VCV001522082.8), dbSNP rs2133318056, ClinGen allele CA375254866.
Genomic context (GRCh38, chr9:131,068,988, plus strand): 5'-GCTCCCAGGAGGACCAGTGCCATCCCAAGACTGGACAGTGCACCTGCCGCCCAGGTGTCA[C>A]AGGCCAGGCCTGTGACAGGTGCCAGCTGGGTTTCTTCGGCTTCTCCATCAAGGGCTGCCG-3'
Protein context (NP_006050.3, residues 933-953): TGQCTCRPGV[Thr943Lys]GQACDRCQLG